The following is an entry in ClinVar:

ClinVar aggregate classification (germline): Uncertain significance (1 of 4 stars; one submission).

Allele frequency attached by ClinVar (database versions not stated): gnomAD exomes 0.00001 and 0.00002; ExAC 0.00002; gnomAD 0.00005; TOPMed 0.00007; 1000 Genomes Project 30x 0.00016; 1000 Genomes Project 0.00020.
gnomAD v4.1: 30 of 1,614,098 alleles (0.0019%); highest among the groups gnomAD compares: Middle Eastern, 0.016%; no homozygotes.

Submission:

Labcorp Genetics (formerly Invitae), Labcorp
Classification: Uncertain significance. Last evaluated: 2024-10-26. Review status: criteria provided, single submitter. Criteria: Invitae Variant Classification Sherloc (09022015). Collection method: clinical testing. Allele origin: germline.
Comment: This sequence change replaces arginine, which is basic and polar, with glutamine, which is neutral and polar, at codon 361 of the EARS2 protein (p.Arg361Gln). This variant is present in population databases (rs553556340, gnomAD 0.02%). This variant has not been reported in the literature in individuals affected with EARS2-related conditions. ClinVar contains an entry for this variant (Variation ID: 1442926). Invitae Evidence Modeling of protein sequence and biophysical properties (such as structural, functional, and spatial information, amino acid conservation, physicochemical variation, residue mobility, and thermodynamic stability) indicates that this missense variant is not expected to disrupt EARS2 protein function with a negative predictive value of 95%. In summary, the available evidence is currently insufficient to determine the role of this variant in disease. Therefore, it has been classified as a Variant of Uncertain Significance.

NM_001083614.2(EARS2):c.1082G>A (p.Arg361Gln)

Gene: EARS2 (glutamyl-tRNA synthetase 2, mitochondrial; minus strand). Cytogenetic location: 16p12.2.
Variant type: single nucleotide variant.
Coding change: c.1082G>A on transcript NM_001083614.2 (MANE Select); coding-DNA position 1082, G replaced by A.
Protein change: p.Arg361Gln; replaces arginine 361 with glutamine.
Molecular consequence: missense variant. On other transcripts: non-coding transcript variant (1).
Genome position (GRCh38, 1-based): chr16:23,529,883, C>T on the plus strand (G>A on the coding strand, the complement: EARS2 is on the minus strand). VCF-style: chr16-23529883-C-T. GRCh37 (hg19) VCF-style: chr16-23541204-C-T.
Other names: c.1082G>A, p.Arg361Gln (NM_001308211.1); short protein forms R361Q.
Identifiers: ClinVar variation 1442926 (VCV001442926.5), dbSNP rs553556340, ClinGen allele CA7962409.